The following is an entry in ClinVar:

ClinVar aggregate classification (germline): Likely benign. Review status: criteria provided, multiple submitters, no conflicts (2 of 4 stars). 5 submissions from 5 submitters: Likely benign (4). 1 of the submissions does not count toward it. Last evaluated 2026-01-26.

Conditions:
KMT2A-related disorder. Also called: KMT2A-related condition.
Wiedemann-Steiner syndrome (WDSTS). Also called: Growth deficiency and mental retardation with facial dysmorphism. Identifiers: Orphanet 319182, MedGen C1854630, MONDO:0011518, OMIM 605130.

Allele frequency attached by ClinVar (database versions not stated): TOPMed 0.00010; gnomAD 0.00011 and 0.00019; ESP Exome Variant Server 0.00015; gnomAD exomes 0.00019; 1000 Genomes Project 0.00020; ExAC 0.00029; 1000 Genomes Project 30x 0.00031.
gnomAD v4.1: 307 of 1,614,150 alleles (0.019%); highest among the groups gnomAD compares: South Asian, 0.14%; 2 homozygotes.

Submissions (5):

Labcorp Genetics (formerly Invitae), Labcorp
Classification: Likely benign. Last evaluated: 2026-01-26. Review status: criteria provided, single submitter. Criteria: Invitae Variant Classification Sherloc (09022015). Collection method: clinical testing. Allele origin: germline.

Blueprint Genetics
Classification: Likely benign. Last evaluated: 2024-10-23. Review status: criteria provided, single submitter. Criteria: ACMG Guidelines, 2015. Collection method: clinical testing. Allele origin: germline.

CeGaT Center for Human Genetics Tuebingen
Classification: Likely benign. Last evaluated: 2023-07-01. Review status: criteria provided, single submitter. Criteria: CeGaT Center For Human Genetics Tuebingen Variant Classification Criteria Version 2. Collection method: clinical testing. Allele origin: germline. Affected: yes. Observed: 1 variant allele.
Comment: KMT2A: BP4, BS1

Fulgent Genetics
Classification: Likely benign for Wiedemann-Steiner syndrome. Last evaluated: 2022-05-20. Review status: criteria provided, single submitter. Criteria: ACMG Guidelines, 2015. Collection method: clinical testing. Allele origin: unknown.

PreventionGenetics, part of Exact Sciences
Classification: Likely benign for KMT2A-related condition. Last evaluated: 2024-01-28. Review status: no assertion criteria provided. Collection method: clinical testing. Allele origin: germline. Not counted in ClinVar's aggregate classification.
Comment: This variant is classified as likely benign based on ACMG/AMP sequence variant interpretation guidelines (Richards et al. 2015 PMID: 25741868, with internal and published modifications).

NM_001197104.2(KMT2A):c.9947C>T (p.Ala3316Val)

Gene: KMT2A (lysine methyltransferase 2A; plus strand). Cytogenetic location: 11q23.3.
Variant type: single nucleotide variant.
Coding change: c.9947C>T on transcript NM_001197104.2 (MANE Select); coding-DNA position 9947, C replaced by T.
Protein change: p.Ala3316Val; replaces alanine 3316 with valine.
Molecular consequence: missense variant.
Genome position (GRCh38, 1-based): chr11:118,505,839, C>T. VCF-style: chr11-118505839-C-T. GRCh37 (hg19) VCF-style: chr11-118376554-C-T.
Other names: c.9947C>T (NM_001197104.1); c.9938C>T, p.Ala3313Val (NM_005933.4); short protein forms A3313V, A3316V.
Identifiers: ClinVar variation 1098102 (VCV001098102.35), dbSNP rs201447376, ClinGen allele CA6304660.